The following is an entry in ClinVar:

NM_001080457.2(LRRC4B):c.1368G>T (p.Val456=)

Gene: LRRC4B (leucine rich repeat containing 4B; minus strand). Cytogenetic location: 19q13.33.
Variant type: single nucleotide variant.
Coding change: c.1368G>T on transcript NM_001080457.2 (MANE Select); coding-DNA position 1368, G replaced by T.
Protein change: p.Val456=; no amino-acid change (valine 456 retained).
Molecular consequence: synonymous variant.
Genome position (GRCh38, 1-based): chr19:50,518,345, C>A on the plus strand (G>T on the coding strand, the complement: LRRC4B is on the minus strand). VCF-style: chr19-50518345-C-A. GRCh37 (hg19) VCF-style: chr19-51021602-C-A.
Other names: c.1368G>T, p.Val456= (NM_001348568.1).
Identifiers: ClinVar variation 2650352 (VCV002650352.24), dbSNP rs61753461, ClinGen allele CA9599985.

ClinVar aggregate classification (germline): Likely benign (1 of 4 stars; one submission).

Allele frequency attached by ClinVar (database versions not stated): 1000 Genomes Project 30x 0.00328; 1000 Genomes Project 0.00339; TOPMed 0.00451; ESP Exome Variant Server 0.00507; gnomAD 0.00603; gnomAD exomes 0.00765; ExAC 0.00800.
gnomAD v4.1: 11,950 of 1,606,032 alleles (0.74%); highest among the groups gnomAD compares: Non-Finnish European, 0.85%; 71 homozygotes.

Submission:

CeGaT Center for Human Genetics Tuebingen
Classification: Likely benign. Last evaluated: 2022-11-01. Review status: criteria provided, single submitter. Criteria: CeGaT Center For Human Genetics Tuebingen Variant Classification Criteria Version 2. Collection method: clinical testing. Allele origin: germline. Affected: yes. Observed: 1 variant allele.
Comment: LRRC4B: BP4, BP7, BS2